The following is an entry in ClinVar:

NM_001166114.2(PNPLA6):c.1168+1G>C

Gene: PNPLA6 (patatin like domain 6, lysophospholipase; plus strand). Cytogenetic location: 19p13.2.
Variant type: single nucleotide variant.
Coding change: c.1168+1G>C on transcript NM_001166114.2 (MANE Select); the canonical splice donor site of the intron after coding-DNA position 1168, G replaced by C.
Molecular consequence: splice donor variant.
Genome position (GRCh38, 1-based): chr19:7,541,685, G>C. VCF-style: chr19-7541685-G-C. GRCh37 (hg19) VCF-style: chr19-7606571-G-C.
Other names: c.1051+1G>C (NM_006702.5, NM_001166112.2, NM_001166113.1); c.1195+1G>C (NM_001166111.2).
Identifiers: ClinVar variation 2771418 (VCV002771418.3), dbSNP rs1184058017, ClinGen allele CA403110076.
Genomic context (GRCh38, chr19:7,541,685, plus strand): 5'-CCAGGGAGACCCCAGGGCGGCCACCCGATCCCACCGGGGCCCCGCTGCCTGGACCTACAG[G>C]TACCCAGGGACCCGAGGCCAGCCGAGCCCAATCTCCCAGGAAGCCCCGTCTCAGCCGCCA-3'

ClinVar aggregate classification (germline): Likely pathogenic (1 of 4 stars; one submission).

Conditions:
Hereditary spastic paraplegia 39 (SPG39). Also called: Spastic Paraplegia Type 39 (SPG39); SPASTIC PARAPLEGIA 39, AUTOSOMAL RECESSIVE. Identifiers: Orphanet 139480, MedGen C2677586, MONDO:0012787, OMIM 612020.

Submission:

Labcorp Genetics (formerly Invitae), Labcorp
Classification: Likely pathogenic for Hereditary spastic paraplegia 39. Last evaluated: 2024-05-01. Review status: criteria provided, single submitter. Criteria: Invitae Variant Classification Sherloc (09022015). Collection method: clinical testing. Allele origin: germline.
Comment: This sequence change affects a donor splice site in intron 12 of the PNPLA6 gene. It is expected to disrupt RNA splicing. Variants that disrupt the donor or acceptor splice site typically lead to a loss of protein function (PMID: 16199547), and loss-of-function variants in PNPLA6 are known to be pathogenic (PMID: 24355708). This variant is not present in population databases (gnomAD no frequency). This variant has not been reported in the literature in individuals affected with PNPLA6-related conditions. Algorithms developed to predict the effect of sequence changes on RNA splicing suggest that this variant may disrupt the consensus splice site. In summary, the currently available evidence indicates that the variant is pathogenic, but additional data are needed to prove that conclusively. Therefore, this variant has been classified as Likely Pathogenic.

Literature cited by the submitters: PubMed 16199547; PubMed 24355708.